The following is an entry in ClinVar:

ClinVar aggregate classification (germline): Benign/Likely benign. Review status: criteria provided, multiple submitters, no conflicts (2 of 4 stars). 12 submissions from 12 submitters: Benign (6); Likely benign (4). 2 of the submissions do not count toward it. Last evaluated 2026-08-01.

Conditions:
Inborn genetic diseases. Identifiers: MedGen C0950123, MeSH D030342.
Developmental and epileptic encephalopathy, 11 (DEE11). Also called: Early infantile epileptic encephalopathy 11. Identifiers: Orphanet 1934, MedGen C3150987, MONDO:0013388, OMIM 613721.
Seizures, benign familial infantile, 3 (BFIS3). Also called: CONVULSIONS, BENIGN FAMILIAL INFANTILE, 3; Familial neonatal seizures. Identifiers: Orphanet 140927, Orphanet 306, MedGen C1843140, MONDO:0011904, OMIM 607745.

Allele frequency attached by ClinVar (database versions not stated): gnomAD exomes 0.00068 and 0.00091; ExAC 0.00082; ESP Exome Variant Server 0.00131; gnomAD 0.00166 and 0.00170; TOPMed 0.00247; 1000 Genomes Project 0.00379; 1000 Genomes Project 30x 0.00468.
gnomAD v4.1: 1,357 of 1,613,796 alleles (0.084%); highest among the groups gnomAD compares: Middle Eastern, 1.1%; 9 homozygotes.

Submissions (12):

CeGaT Center for Human Genetics Tuebingen
Classification: Likely benign. Last evaluated: 2026-08-01. Review status: criteria provided, single submitter. Criteria: CeGaT Center For Human Genetics Tuebingen Variant Classification Criteria Version 2. Collection method: clinical testing. Allele origin: germline. Affected: yes. Observed: 19 variant alleles.
Comment: SCN2A: BP4, BP7

Labcorp Genetics (formerly Invitae), Labcorp
Classification: Benign for Seizures, benign familial infantile, 3; Developmental and epileptic encephalopathy, 11. Last evaluated: 2026-02-03. Review status: criteria provided, single submitter. Criteria: Invitae Variant Classification Sherloc (09022015). Collection method: clinical testing. Allele origin: germline.

Blueprint Genetics
Classification: Likely benign. Last evaluated: 2024-11-07. Review status: criteria provided, single submitter. Criteria: ACMG Guidelines, 2015. Collection method: clinical testing. Allele origin: germline.

Genetic Services Laboratory, University of Chicago
Classification: Benign. Last evaluated: 2018-08-01. Review status: criteria provided, single submitter. Criteria: ACMG Guidelines, 2015. Collection method: clinical testing. Allele origin: germline. Affected: no.

Illumina Laboratory Services, Illumina
Classification: Benign for Seizures, benign familial infantile, 3. Last evaluated: 2018-01-13. Review status: criteria provided, single submitter. Criteria: ICSL Variant Classification Criteria 13 December 2019. Collection method: clinical testing. Allele origin: germline.
Comment: This variant was observed in the ICSL laboratory as part of a predisposition screen in an ostensibly healthy population. It had not been previously curated by ICSL or reported in the Human Gene Mutation Database (HGMD: prior to June 1st, 2018), and was therefore a candidate for classification through an automated scoring system. Utilizing variant allele frequency, disease prevalence and penetrance estimates, and inheritance mode, an automated score was calculated to assess if this variant is too frequent to cause the disease. Based on the score and internal cut-off values, a variant classified as benign is not then subjected to further curation. The score for this variant resulted in a classification of benign for this disease.

Ambry Genetics
Classification: Likely benign for Inborn genetic diseases. Last evaluated: 2016-09-02. Review status: criteria provided, single submitter. Criteria: Ambry Variant Classification Scheme 2023. Collection method: clinical testing. Allele origin: germline.

Eurofins Ntd Llc (ga)
Classification: Benign. Last evaluated: 2016-01-07. Review status: criteria provided, single submitter. Criteria: EGL Classification Definitions 2015. Collection method: clinical testing. Allele origin: germline. Observed: 1 variant allele, 1 heterozygote.

GeneDx
Classification: Benign. Last evaluated: 2013-04-18. Review status: criteria provided, single submitter. Criteria: GeneDx Variant Classification (06012015). Collection method: clinical testing. Allele origin: germline. Affected: yes.
Comment: This variant is considered likely benign or benign based on one or more of the following criteria: it is a conservative change, it occurs at a poorly conserved position in the protein, it is predicted to be benign by multiple in silico algorithms, and/or has population frequency not consistent with disease.

Breakthrough Genomics
Classification: Likely benign. Review status: criteria provided, single submitter. Criteria: ACMG Guidelines, 2015. Collection method: not provided. Allele origin: germline. Inheritance: Autosomal dominant inheritance. Affected: yes.

PreventionGenetics, part of Exact Sciences
Classification: Benign. Review status: criteria provided, single submitter. Criteria: ACMG Guidelines, 2015. Collection method: clinical testing. Allele origin: germline.

Clinical Genetics DNA and cytogenetics Diagnostics Lab, Erasmus MC, Erasmus Medical Center
Classification: Likely benign. Review status: no assertion criteria provided. Collection method: clinical testing. Allele origin: germline. Affected: yes. Study: VKGL Data-share Consensus. Not counted in ClinVar's aggregate classification.

Genome Diagnostics Laboratory, University Medical Center Utrecht
Classification: Likely benign. Review status: no assertion criteria provided. Collection method: clinical testing. Allele origin: germline. Affected: yes. Study: VKGL Data-share Consensus. Not counted in ClinVar's aggregate classification.

NM_001040142.2(SCN2A):c.3453C>T (p.Pro1151=)

Gene: SCN2A (sodium voltage-gated channel alpha subunit 2; plus strand). Cytogenetic location: 2q24.3.
Variant type: single nucleotide variant.
Coding change: c.3453C>T on transcript NM_001040142.2 (MANE Select); coding-DNA position 3453, C replaced by T.
Protein change: p.Pro1151=; no amino-acid change (proline 1151 retained).
Molecular consequence: synonymous variant.
Genome position (GRCh38, 1-based): chr2:165,365,196, C>T. VCF-style: chr2-165365196-C-T. GRCh37 (hg19) VCF-style: chr2-166221706-C-T.
Other names: p.P1151P:CCC>CCT; c.3453C>T, p.Pro1151= (NM_001040143.2, NM_001371246.1, NM_001371247.1 and 1 more transcripts).
Identifiers: ClinVar variation 139011 (VCV000139011.59), dbSNP rs145662546, ClinGen allele CA201419.